The following is an entry in ClinVar:

ClinVar aggregate classification (germline): Uncertain significance (1 of 4 stars; one submission).

Conditions:
Focal segmental glomerulosclerosis 8 (FSGS8). Identifiers: Orphanet 656, MedGen C4014993, MONDO:0014462, OMIM 616032.

Submission:

Precision Medicine Center, Zhengzhou University
Classification: Uncertain significance for Focal segmental glomerulosclerosis 8. Review status: criteria provided, single submitter. Criteria: ACMG Guidelines, 2015. Collection method: research. Allele origin: germline. Affected: yes.
Comment: PM2:not found in gnomAD

NM_018685.5(ANLN):c.1588A>C (p.Lys530Gln)

Gene: ANLN (anillin, actin binding protein; plus strand). Cytogenetic location: 7p14.2.
Variant type: single nucleotide variant.
Coding change: c.1588A>C on transcript NM_018685.5 (MANE Select); coding-DNA position 1588, A replaced by C.
Protein change: p.Lys530Gln; replaces lysine 530 with glutamine.
Molecular consequence: missense variant. On other transcripts: intron variant (2).
Genome position (GRCh38, 1-based): chr7:36,417,145, A>C. VCF-style: chr7-36417145-A-C. GRCh37 (hg19) VCF-style: chr7-36456754-A-C.
Other names: c.1522+1261A>C (NM_001284301.3, NM_001284302.3); short protein forms K530Q.
Identifiers: ClinVar variation 1077038 (VCV001077038.1), dbSNP rs2116638569, ClinGen allele CA367211560.